The following is an entry in ClinVar:

ClinVar aggregate classification (germline): Pathogenic (1 of 4 stars; one submission).

Submission:

Labcorp Genetics (formerly Invitae), Labcorp
Classification: Pathogenic. Last evaluated: 2022-03-10. Review status: criteria provided, single submitter. Criteria: Invitae Variant Classification Sherloc (09022015). Collection method: clinical testing. Allele origin: germline.
Comment: This variant is not present in population databases (gnomAD no frequency). For these reasons, this variant has been classified as Pathogenic. This variant has not been reported in the literature in individuals affected with POLR3A-related conditions. This sequence change creates a premature translational stop signal (p.Pro537Thrfs*24) in the POLR3A gene. It is expected to result in an absent or disrupted protein product. Loss-of-function variants in POLR3A are known to be pathogenic (PMID: 21855841, 25339210, 27612211, 30414627, 30450527).

Literature cited by the submitters: PubMed 21855841; PubMed 25339210; PubMed 27612211; PubMed 30414627; PubMed 30450527.

NM_007055.4(POLR3A):c.1608dup (p.Pro537fs)

Gene: POLR3A (RNA polymerase III subunit A; minus strand). Cytogenetic location: 10q22.3.
Variant type: Duplication.
Coding change: c.1608dup on transcript NM_007055.4 (MANE Select); coding-DNA position 1608, one base duplicated (A; older notation c.1608dupA).
Protein change: p.Pro537fs; shifts the reading frame from proline 537.
Molecular consequence: frameshift variant.
Genome position (GRCh38, 1-based): chr10:78,010,505, T duplicated on the plus strand (A on the coding strand, the reverse complement: POLR3A is on the minus strand); the first of 2 consecutive T bases (chr10:78,010,505-78,010,506); duplicating either gives the same sequence. VCF-style (leftmost placement, unchanged base first): chr10-78010504-G-GT. GRCh37 (hg19) VCF-style: chr10-79770262-G-GT.
Other names: short protein forms P537fs.
Identifiers: ClinVar variation 1449664 (VCV001449664.6), dbSNP rs2131950092, ClinGen allele CA2573145782.